The following is an entry in ClinVar:

ClinVar aggregate classification (germline): Pathogenic (1 of 4 stars; one submission).

Conditions:
Dilated cardiomyopathy 1P (CMD1P). Identifiers: Orphanet 154, MedGen C1835928, MONDO:0012362, OMIM 609909.

Submission:

Labcorp Genetics (formerly Invitae), Labcorp
Classification: Pathogenic for Dilated cardiomyopathy 1P. Last evaluated: 2022-08-20. Review status: criteria provided, single submitter. Criteria: Invitae Variant Classification Sherloc (09022015). Collection method: clinical testing. Allele origin: germline.
Comment: A gross deletion of the genomic region encompassing the full coding sequence of the PLN gene has been identified. Loss-of-function variants in PLN are known to be pathogenic (PMID: 12639993, 17655857, 21167350, 22707725, 24909667). The boundaries of this event are unknown as they extend beyond the assayed region for this gene and therefore may encompass additional genes. A similar copy number variant has been observed in individual(s) with hypertrophic cardiomyopathy (PMID: 28771489). For these reasons, this variant has been classified as Pathogenic.

Literature cited by the submitters: PubMed 12639993; PubMed 17655857; PubMed 21167350; PubMed 22707725; PubMed 24909667; PubMed 28771489.

NC_000006.11:g.(?_118880085)_(118880243_?)del

Genes: CEP85L (centrosomal protein 85L; minus strand), PLN (phospholamban; plus strand). Cytogenetic location: 6q22.31.
Variant type: Deletion.
Identifiers: ClinVar variation 1459545 (VCV001459545.4).